The following is an entry in ClinVar:

NM_000530.8(MPZ):c.462C>A (p.Tyr154Ter)

Gene: MPZ (myelin protein zero; minus strand). Cytogenetic location: 1q23.3.
Variant type: single nucleotide variant.
Coding change: c.462C>A on transcript NM_000530.8 (MANE Select); coding-DNA position 462, C replaced by A.
Protein change: p.Tyr154Ter; replaces tyrosine 154 with a stop codon.
Molecular consequence: nonsense.
Genome position (GRCh38, 1-based): chr1:161,306,451, G>T on the plus strand (C>A on the coding strand, the complement: MPZ is on the minus strand). VCF-style: chr1-161306451-G-T. GRCh37 (hg19) VCF-style: chr1-161276241-G-T.
Other names: c.462C>A, p.Tyr154Ter (NM_001315491.2); c.462C>A (LRG_256t1); short protein forms Y154*.
Identifiers: ClinVar variation 637345 (VCV000637345.3), dbSNP rs1571818312, ClinGen allele CA343346538.

ClinVar aggregate classification (germline): Pathogenic. Review status: criteria provided, single submitter (1 of 4 stars). 2 submissions from 2 submitters: Pathogenic (1). 1 of the submissions does not count toward it. Last evaluated 2021-03-01.

Conditions:
Charcot-Marie-Tooth disease. Also called: Charcot-Marie-Tooth Hereditary Neuropathy; Charcot-Marie-Tooth Neuropathy. Identifiers: Orphanet 166, MedGen C0007959, MONDO:0015626.
Inborn genetic diseases. Identifiers: MedGen C0950123, MeSH D030342.

Submissions (2):

Ambry Genetics
Classification: Pathogenic for Inborn genetic diseases. Last evaluated: 2021-03-01. Review status: criteria provided, single submitter. Criteria: Ambry Variant Classification Scheme 2023. Collection method: clinical testing. Allele origin: germline.
Comment: The p.Y154* variant (also known as c.462C>A), located in coding exon 4 of the MPZ gene, results from a C to A substitution at nucleotide position 462. This changes the amino acid from a tyrosine to a stop codon within coding exon 4. Among a cohort of patients with Charcot Marie Tooth disease type 1, the p.Y154* mutation was detected in one patient (Nelis E et al. Hum Genet, 1994 Dec;94:653-7). In vitro studies demonstrate that the p.Y154* mutation results in reduced mRNA levels compared with wild-type MPZ (Inoue K et al. Nat Genet, 2004 Apr;36:361-9). In addition to the clinical data presented in the literature, this alteration is expected to result in loss of function by premature protein truncation or nonsense-mediated mRNA decay. As such, this alteration is interpreted as a disease-causing mutation.

Inherited Neuropathy Consortium
Classification: Uncertain significance for Charcot-Marie-Tooth disease. Review status: no assertion criteria provided. Collection method: literature only. Allele origin: germline. Affected: yes. Not counted in ClinVar's aggregate classification.

Literature cited by the submitters: PubMed 15004559 (cited by Ambry Genetics); PubMed 7527371 (cited by Ambry Genetics and Inherited Neuropathy Consortium).